The following is an entry in ClinVar:

ClinVar aggregate classification (germline): Uncertain significance. Review status: criteria provided, multiple submitters, no conflicts (2 of 4 stars). 2 submissions from 2 submitters: Uncertain significance (2). Last evaluated 2022-02-20.

Conditions:
Hereditary cancer-predisposing syndrome. Also called: Hereditary Cancer Syndrome; Neoplastic Syndromes, Hereditary; Tumor predisposition; Hereditary neoplastic syndrome. Identifiers: Orphanet 140162, MedGen C0027672, MeSH D009386, MONDO:0015356.

Submissions (2):

Labcorp Genetics (formerly Invitae), Labcorp
Classification: Uncertain significance for Hereditary cancer-predisposing syndrome. Last evaluated: 2022-02-20. Review status: criteria provided, single submitter. Criteria: Invitae Variant Classification Sherloc (09022015). Collection method: clinical testing. Allele origin: germline.
Comment: In summary, the available evidence is currently insufficient to determine the role of this variant in disease. Therefore, it has been classified as a Variant of Uncertain Significance. Algorithms developed to predict the effect of missense changes on protein structure and function are either unavailable or do not agree on the potential impact of this missense change (SIFT: "Tolerated"; PolyPhen-2: "Possibly Damaging"; Align-GVGD: "Class C0"). ClinVar contains an entry for this variant (Variation ID: 480423). This variant has not been reported in the literature in individuals affected with RAD50-related conditions. This variant is not present in population databases (gnomAD no frequency). This sequence change replaces histidine, which is basic and polar, with tyrosine, which is neutral and polar, at codon 837 of the RAD50 protein (p.His837Tyr).

Ambry Genetics
Classification: Uncertain significance for Hereditary cancer-predisposing syndrome. Last evaluated: 2018-06-25. Review status: criteria provided, single submitter. Criteria: Ambry Variant Classification Scheme 2023. Collection method: clinical testing. Allele origin: germline.
Comment: The p.H837Y variant (also known as c.2509C>T), located in coding exon 15 of the RAD50 gene, results from a C to T substitution at nucleotide position 2509. The histidine at codon 837 is replaced by tyrosine, an amino acid with similar properties. This amino acid position is highly conserved in available vertebrate species. In addition, the in silico prediction for this alteration is inconclusive. Since supporting evidence is limited at this time, the clinical significance of this alteration remains unclear.

NM_005732.4(RAD50):c.2509C>T (p.His837Tyr)

Gene: RAD50 (RAD50 double strand break repair protein; plus strand). Cytogenetic location: 5q31.1.
Variant type: single nucleotide variant.
Coding change: c.2509C>T on transcript NM_005732.4 (MANE Select); coding-DNA position 2509, C replaced by T.
Protein change: p.His837Tyr; replaces histidine 837 with tyrosine.
Molecular consequence: missense variant.
Genome position (GRCh38, 1-based): chr5:132,604,031, C>T. VCF-style: chr5-132604031-C-T. GRCh37 (hg19) VCF-style: chr5-131939723-C-T.
Other names: short protein forms H837Y.
Identifiers: ClinVar variation 480423 (VCV000480423.15), dbSNP rs866824636, ClinGen allele CA360955886.